The following is an entry in ClinVar:

NM_000304.4(PMP22):c.78+1G>A

Gene: PMP22 (peripheral myelin protein 22; minus strand). Cytogenetic location: 17p12.
Variant type: single nucleotide variant.
Coding change: c.78+1G>A on transcript NM_000304.4 (MANE Select); the canonical splice donor site of the intron after coding-DNA position 78, G replaced by A.
Molecular consequence: splice donor variant.
Genome position (GRCh38, 1-based): chr17:15,260,649, C>T on the plus strand (G>A on the coding strand, the complement: PMP22 is on the minus strand). VCF-style: chr17-15260649-C-T. GRCh37 (hg19) VCF-style: chr17-15163966-C-T.
Other names: c.78+1G>A (NM_001281456.2, NM_153321.3, NM_001281455.2 and 2 more transcripts).
Identifiers: ClinVar variation 531690 (VCV000531690.6), dbSNP rs1426969421, ClinGen allele CA398271648.

ClinVar aggregate classification (germline): Pathogenic (1 of 4 stars; one submission).

Conditions:
Charcot-Marie-Tooth disease, type I (CMT1). Also called: Charcot-Marie-Tooth disease type 1; Charcot-Marie-Tooth, Type 1. Identifiers: Orphanet 65753, MedGen C0751036, MONDO:0019011.

Submission:

Labcorp Genetics (formerly Invitae), Labcorp
Classification: Pathogenic for Charcot-Marie-Tooth disease, type I. Last evaluated: 2020-11-13. Review status: criteria provided, single submitter. Criteria: Invitae Variant Classification Sherloc (09022015). Collection method: clinical testing. Allele origin: germline.
Comment: This sequence change affects a donor splice site in intron 2 of the PMP22 gene. It is expected to disrupt RNA splicing. Variants that disrupt the donor or acceptor splice site typically lead to a loss of protein function (PMID: 16199547), and loss-of-function variants in PMP22 are known to be pathogenic (PMID: 23224996). This variant is not present in population databases (ExAC no frequency). Disruption of this splice site has been observed in individual(s) with PMP22-related conditions (PMID: 29653220, 9187667). It has also been observed to segregate with disease in related individuals. ClinVar contains an entry for this variant (Variation ID: 531690). Algorithms developed to predict the effect of sequence changes on RNA splicing suggest that this variant may disrupt the consensus splice site, but this prediction has not been confirmed by published transcriptional studies. For these reasons, this variant has been classified as Pathogenic.

Literature cited by the submitters: PubMed 16199547; PubMed 23224996; PubMed 29653220; PubMed 9187667.